The following is an entry in ClinVar:

ClinVar aggregate classification (germline): Uncertain significance (1 of 4 stars; one submission).

Submission:

CeGaT Center for Human Genetics Tuebingen
Classification: Uncertain significance. Last evaluated: 2025-04-01. Review status: criteria provided, single submitter. Criteria: CeGaT Center For Human Genetics Tuebingen Variant Classification Criteria Version 2. Collection method: clinical testing. Allele origin: germline. Affected: yes. Observed: 1 variant allele.
Comment: KMT2D: PM2, BP4

NM_003482.4(KMT2D):c.8686C>T (p.Pro2896Ser)

Gene: KMT2D (lysine methyltransferase 2D; minus strand). Cytogenetic location: 12q13.12.
Variant type: single nucleotide variant.
Coding change: c.8686C>T on transcript NM_003482.4 (MANE Select); coding-DNA position 8686, C replaced by T.
Protein change: p.Pro2896Ser; replaces proline 2896 with serine.
Molecular consequence: missense variant.
Genome position (GRCh38, 1-based): chr12:49,038,670, G>A on the plus strand (C>T on the coding strand, the complement: KMT2D is on the minus strand). VCF-style: chr12-49038670-G-A. GRCh37 (hg19) VCF-style: chr12-49432453-G-A.
Other names: short protein forms P2896S.
Identifiers: ClinVar variation 3898439 (VCV003898439.7).
Genomic context (GRCh38, chr12:49,038,670, plus strand): 5'-GTCGGTGGGGGTCCTCACTTACAGGGTAAAAACGGGGTCTCTGAGGTGGGCCCTGACCAG[G>A]AAACGGAGTGCCCCCAGGTCCCAGTCCTTTCTGTACATTGTGCCGCAGCTCAATGAACTG-3'
Protein context (NP_003473.3, residues 2886-2906): KGLGPGGTPF[Pro2896Ser]GQGPPQRPRF